The following is an entry in ClinVar:

ClinVar aggregate classification (germline): Pathogenic/Likely pathogenic. Review status: criteria provided, multiple submitters, no conflicts (2 of 4 stars). 5 submissions from 5 submitters: Pathogenic (2); Likely pathogenic (1). 2 of the submissions do not count toward it. Last evaluated 2021-03-01.

Conditions:
Familial thoracic aortic aneurysm and aortic dissection (TAAD). Also called: Thoracic aortic aneurysms and dissections. Identifiers: Orphanet 91387, MedGen C4707243, MONDO:0019625.
Marfan syndrome (MFS). Also called: FBN1-Related Marfan Syndrome; Marfan syndrome type 1; Marfan's syndrome; Marfan syndrome, classic; MARFAN SYNDROME, TYPE I. Identifiers: Orphanet 284963, Orphanet 558, MedGen C0024796, MONDO:0007947, OMIM 154700.
Stiff skin syndrome (SSKS). Identifiers: Orphanet 2833, MedGen C1861456, MONDO:0008492, OMIM 184900.
MASS syndrome (OCTD). Also called: OVERLAP CONNECTIVE TISSUE DISEASE; MASS PHENOTYPE. Identifiers: MedGen C1858556, MONDO:0011431, OMIM 604308.

Submissions (5):

Centre of Medical Genetics, University of Antwerp
Classification: Likely pathogenic for Marfan syndrome. Last evaluated: 2021-03-01. Review status: criteria provided, single submitter. Criteria: Submitter's publication. Collection method: research. Allele origin: unknown. Affected: yes.
Comment: PM2, PS5, PP4

Labcorp Genetics (formerly Invitae), Labcorp
Classification: Pathogenic for Marfan syndrome; Familial thoracic aortic aneurysm and aortic dissection. Last evaluated: 2020-06-08. Review status: criteria provided, single submitter. Criteria: Invitae Variant Classification Sherloc (09022015). Collection method: clinical testing. Allele origin: germline.
Comment: For these reasons, this variant has been classified as Pathogenic. Algorithms developed to predict the effect of missense changes on protein structure and function do not agree on the potential impact of this missense change (SIFT: "Deleterious"; PolyPhen-2: "Probably Damaging"; Align-GVGD: "Class C15"). This variant affects a cysteine residue located within a TGFBP domain of the FBN1 protein. Cysteine residues in these domains are believed to be involved in intramolecular disulfide bridges and to be important for FBN1 structure. Although the exact function of the FBN1 TGFBP domains has not being elucidated (PMID: 10930463, 27437668), missense substitutions within the TGFBP domains affecting cysteine residues are significantly overrepresented among patients with Marfan syndrome (PMID: 16571647, 17701892). This variant has been reported in several individuals affected with Marfan syndrome or an aortopathy (PMID: 21542060, 12203992, 15241795, 27611364). ClinVar contains an entry for this variant (Variation ID: 36043). This variant is not present in population databases (ExAC no frequency). This sequence change replaces cysteine with tryptophan at codon 685 of the FBN1 protein (p.Cys685Trp). The cysteine residue is highly conserved and there is a large physicochemical difference between cysteine and tryptophan.

Laboratory for Molecular Medicine, Mass General Brigham Personalized Medicine
Classification: Pathogenic for Marfan syndrome. Last evaluated: 2007-04-24. Review status: criteria provided, single submitter. Criteria: LMM Criteria. Collection method: clinical testing. Allele origin: germline. Observed: 1 variant allele.

Center for Medical Genetics Ghent, University of Ghent
Classification: Likely pathogenic for Marfan syndrome. Last evaluated: 2017-11-07. Review status: no assertion criteria provided. Collection method: clinical testing. Allele origin: germline. Affected: yes. Not counted in ClinVar's aggregate classification.

Women's Health and Genetics/Laboratory Corporation of America, LabCorp
Classification: Pathogenic for Marfan's syndrome. Last evaluated: 2015-04-08. Review status: no assertion criteria provided. Collection method: clinical testing. Allele origin: germline. Not counted in ClinVar's aggregate classification.

Literature cited by the submitters: PubMed 10930463 (cited by Labcorp Genetics (formerly Invitae), Labcorp); PubMed 27437668 (cited by Labcorp Genetics (formerly Invitae), Labcorp); PubMed 16571647 (cited by Labcorp Genetics (formerly Invitae), Labcorp); PubMed 17701892 (cited by Labcorp Genetics (formerly Invitae), Labcorp); PubMed 21542060 (cited by Labcorp Genetics (formerly Invitae), Labcorp); PubMed 12203992 (cited by Labcorp Genetics (formerly Invitae), Labcorp and Laboratory for Molecular Medicine, Mass General Brigham Personalized Medicine); PubMed 15241795 (cited by Labcorp Genetics (formerly Invitae), Labcorp); PubMed 27611364 (cited by Labcorp Genetics (formerly Invitae), Labcorp).

NM_000138.5(FBN1):c.2055C>G (p.Cys685Trp)

Gene: FBN1 (fibrillin 1; minus strand). Cytogenetic location: 15q21.1.
Variant type: single nucleotide variant.
Coding change: c.2055C>G on transcript NM_000138.5 (MANE Select); coding-DNA position 2055, C replaced by G.
Protein change: p.Cys685Trp; replaces cysteine 685 with tryptophan.
Molecular consequence: missense variant.
Genome position (GRCh38, 1-based): chr15:48,503,845, G>C on the plus strand (C>G on the coding strand, the complement: FBN1 is on the minus strand). VCF-style: chr15-48503845-G-C. GRCh37 (hg19) VCF-style: chr15-48796042-G-C.
Other names: short protein forms C685W.
Identifiers: ClinVar variation 36043 (VCV000036043.26), dbSNP rs140603, ClinGen allele CA012728.